The following is an entry in ClinVar:

NM_014915.3(ANKRD26):c.4409T>C (p.Val1470Ala)

Gene: ANKRD26 (ankyrin repeat domain containing 26; minus strand). Cytogenetic location: 10p12.1.
Variant type: single nucleotide variant.
Coding change: c.4409T>C on transcript NM_014915.3 (MANE Select); coding-DNA position 4409, T replaced by C.
Protein change: p.Val1470Ala; replaces valine 1470 with alanine.
Molecular consequence: missense variant.
Genome position (GRCh38, 1-based): chr10:27,017,599, A>G on the plus strand (T>C on the coding strand, the complement: ANKRD26 is on the minus strand). VCF-style: chr10-27017599-A-G. GRCh37 (hg19) VCF-style: chr10-27306528-A-G.
Other names: c.4406T>C, p.Val1469Ala (NM_001256053.2); short protein forms V1470A, V1469A.
Identifiers: ClinVar variation 3915201 (VCV003915201.1).

ClinVar aggregate classification (germline): Uncertain significance (1 of 4 stars; one submission).

Conditions:
Inborn genetic diseases. Identifiers: MedGen C0950123, MeSH D030342.

Submission:

Ambry Genetics
Classification: Uncertain significance for Inborn genetic diseases. Last evaluated: 2025-06-08. Review status: criteria provided, single submitter. Criteria: Ambry Variant Classification Scheme 2023. Collection method: clinical testing. Allele origin: germline.
Comment: The p.V1470A variant (also known as c.4409T>C), located in coding exon 30 of the ANKRD26 gene, results from a T to C substitution at nucleotide position 4409. The valine at codon 1470 is replaced by alanine, an amino acid with similar properties. This amino acid position is conserved. In addition, this alteration is predicted to be tolerated by in silico analysis. Based on the available evidence, the clinical significance of this variant remains unclear.